The following is an entry in ClinVar:

ClinVar aggregate classification (germline): Uncertain significance (1 of 4 stars; one submission).

Allele frequency attached by ClinVar (database versions not stated): gnomAD exomes below 0.00001; gnomAD 0.00001.
gnomAD v4.1: 2 of 1,455,194 alleles (0.00014%); highest among the groups gnomAD compares: African/African-American, 0.0015%; no homozygotes.

Submission:

Labcorp Genetics (formerly Invitae), Labcorp
Classification: Uncertain significance. Last evaluated: 2021-08-03. Review status: criteria provided, single submitter. Criteria: Invitae Variant Classification Sherloc (09022015). Collection method: clinical testing. Allele origin: germline.
Comment: This sequence change replaces leucine with proline at codon 46 of the SPEG protein (p.Leu46Pro). The leucine residue is moderately conserved and there is a moderate physicochemical difference between leucine and proline. In summary, the available evidence is currently insufficient to determine the role of this variant in disease. Therefore, it has been classified as a Variant of Uncertain Significance. Algorithms developed to predict the effect of missense changes on protein structure and function are either unavailable or do not agree on the potential impact of this missense change (SIFT: "Deleterious"; PolyPhen-2: "Probably Damaging"; Align-GVGD: "Class C0"). This variant has not been reported in the literature in individuals affected with SPEG-related conditions. The frequency data for this variant in the population databases is considered unreliable, as metrics indicate insufficient coverage at this position in the ExAC database.

NM_005876.5(SPEG):c.137T>C (p.Leu46Pro)

Gene: SPEG (striated muscle enriched protein kinase; plus strand). Cytogenetic location: 2q35.
Variant type: single nucleotide variant.
Coding change: c.137T>C on transcript NM_005876.5 (MANE Select); coding-DNA position 137, T replaced by C.
Protein change: p.Leu46Pro; replaces leucine 46 with proline.
Molecular consequence: missense variant.
Genome position (GRCh38, 1-based): chr2:219,435,114, T>C. VCF-style: chr2-219435114-T-C. GRCh37 (hg19) VCF-style: chr2-220299836-T-C.
Other names: short protein forms L46P.
Identifiers: ClinVar variation 1409031 (VCV001409031.6), dbSNP rs1954679355, ClinGen allele CA350703931.